The following is an entry in ClinVar:

NM_001365951.3(KIF1B):c.2115+5919C>T

Gene: KIF1B (kinesin family member 1B; plus strand). Cytogenetic location: 1p36.22.
Variant type: single nucleotide variant.
Coding change: c.2115+5919C>T on transcript NM_001365951.3 (MANE Select); 5919 bases into the intron after coding-DNA position 2115, C replaced by T.
Molecular consequence: intron variant. On other transcripts: synonymous variant (2).
Genome position (GRCh38, 1-based): chr1:10,303,165, C>T. VCF-style: chr1-10303165-C-T. GRCh37 (hg19) VCF-style: chr1-10363223-C-T.
Other names: c.1980C>T, p.Asp660= (NM_001365953.1, NM_183416.4); c.1977+5919C>T (NM_015074.3); c.2115+5919C>T (NM_001365952.1); c.1980C>T (NM_183416.3).
Identifiers: ClinVar variation 2638199 (VCV002638199.27), dbSNP rs151053483, ClinGen allele CA581171.

ClinVar aggregate classification (germline): Benign/Likely benign. Review status: criteria provided, multiple submitters, no conflicts (2 of 4 stars). 4 submissions from 4 submitters: Benign (1); Likely benign (2). 1 of the submissions does not count toward it. Last evaluated 2026-07-01.

Conditions:
KIF1B-related disorder. Also called: KIF1B-related condition.

Allele frequency attached by ClinVar (database versions not stated): gnomAD 0.00109; gnomAD exomes 0.00111; ExAC 0.00120; 1000 Genomes Project 30x 0.00016; 1000 Genomes Project 0.00020; TOPMed 0.00079; ESP Exome Variant Server 0.00100.
gnomAD v4.1: 1,761 of 1,610,642 alleles (0.11%); highest among the groups gnomAD compares: Non-Finnish European, 0.13%; 5 homozygotes.

Submissions (4):

CeGaT Center for Human Genetics Tuebingen
Classification: Likely benign. Last evaluated: 2026-07-01. Review status: criteria provided, single submitter. Criteria: CeGaT Center For Human Genetics Tuebingen Variant Classification Criteria Version 2. Collection method: clinical testing. Allele origin: germline. Affected: yes. Observed: 70 variant alleles.
Comment: KIF1B: BP4, BP7

Blueprint Genetics
Classification: Likely benign. Last evaluated: 2024-11-25. Review status: criteria provided, single submitter. Criteria: ACMG Guidelines, 2015. Collection method: clinical testing. Allele origin: germline.

ARUP Laboratories, Molecular Genetics and Genomics, ARUP Laboratories
Classification: Benign. Last evaluated: 2024-05-31. Review status: criteria provided, single submitter. Criteria: ARUP Molecular Germline Variant Investigation Process 2024. Collection method: clinical testing. Allele origin: germline.

PreventionGenetics, part of Exact Sciences
Classification: Likely benign for KIF1B-related condition. Last evaluated: 2019-12-09. Review status: no assertion criteria provided. Collection method: clinical testing. Allele origin: germline. Not counted in ClinVar's aggregate classification.
Comment: This variant is classified as likely benign based on ACMG/AMP sequence variant interpretation guidelines (Richards et al. 2015 PMID: 25741868, with internal and published modifications).